The following is an entry in ClinVar:

ClinVar aggregate classification (germline): Uncertain significance (1 of 4 stars; one submission).

Allele frequency attached by ClinVar (database versions not stated): gnomAD exomes 0.00001 and 0.00003; gnomAD 0.00002 and 0.00004; ExAC 0.00003; 1000 Genomes Project 30x 0.00047; 1000 Genomes Project 0.00060.

Submission:

Labcorp Genetics (formerly Invitae), Labcorp
Classification: Uncertain significance. Last evaluated: 2022-03-02. Review status: criteria provided, single submitter. Criteria: Invitae Variant Classification Sherloc (09022015). Collection method: clinical testing. Allele origin: germline.
Comment: This sequence change replaces proline, which is neutral and non-polar, with serine, which is neutral and polar, at codon 163 of the RBP4 protein (p.Pro163Ser). This variant is present in population databases (rs189196082, gnomAD 0.02%). This variant has not been reported in the literature in individuals affected with RBP4-related conditions. Algorithms developed to predict the effect of missense changes on protein structure and function output the following: SIFT: "Tolerated"; PolyPhen-2: "Benign"; Align-GVGD: "Class C0". The serine amino acid residue is found in multiple mammalian species, which suggests that this missense change does not adversely affect protein function. In summary, the available evidence is currently insufficient to determine the role of this variant in disease. Therefore, it has been classified as a Variant of Uncertain Significance.

NM_006744.4(RBP4):c.487C>T (p.Pro163Ser)

Gene: RBP4 (retinol binding protein 4; minus strand). Cytogenetic location: 10q23.33.
Variant type: single nucleotide variant.
Coding change: c.487C>T on transcript NM_006744.4 (MANE Select); coding-DNA position 487, C replaced by T.
Protein change: p.Pro163Ser; replaces proline 163 with serine.
Molecular consequence: missense variant.
Genome position (GRCh38, 1-based): chr10:93,593,904, G>A on the plus strand (C>T on the coding strand, the complement: RBP4 is on the minus strand). VCF-style: chr10-93593904-G-A. GRCh37 (hg19) VCF-style: chr10-95353661-G-A.
Other names: c.487C>T, p.Pro163Ser (NM_001323517.1); c.481C>T, p.Pro161Ser (NM_001323518.2); short protein forms P161S, P163S.
Identifiers: ClinVar variation 1349390 (VCV001349390.8), dbSNP rs189196082, ClinGen allele CA5609539.